The following is an entry in ClinVar:

NM_002354.3(EPCAM):c.850G>T (p.Val284Phe)

Gene: EPCAM (epithelial cell adhesion molecule; plus strand). Cytogenetic location: 2p21.
Variant type: single nucleotide variant.
Coding change: c.850G>T on transcript NM_002354.3 (MANE Select); coding-DNA position 850, G replaced by T.
Protein change: p.Val284Phe; replaces valine 284 with phenylalanine.
Molecular consequence: missense variant.
Genome position (GRCh38, 1-based): chr2:47,379,961, G>T. VCF-style: chr2-47379961-G-T. GRCh37 (hg19) VCF-style: chr2-47607100-G-T.
Other names: short protein forms V284F.
Identifiers: ClinVar variation 1763686 (VCV001763686.2), dbSNP rs1174569975, ClinGen allele CA346724946.

ClinVar aggregate classification (germline): Uncertain significance (1 of 4 stars; one submission).

Conditions:
Hereditary cancer-predisposing syndrome. Also called: Neoplastic Syndromes, Hereditary; Tumor predisposition; Hereditary Cancer Syndrome; Hereditary neoplastic syndrome. Identifiers: Orphanet 140162, MedGen C0027672, MeSH D009386, MONDO:0015356.

Submission:

Ambry Genetics
Classification: Uncertain significance for Hereditary cancer-predisposing syndrome. Last evaluated: 2022-04-21. Review status: criteria provided, single submitter. Criteria: Ambry Variant Classification Scheme 2023. Collection method: clinical testing. Allele origin: germline.
Comment: The p.V284F variant (also known as c.850G>T), located in coding exon 7 of the EPCAM gene, results from a G to T substitution at nucleotide position 850. The valine at codon 284 is replaced by phenylalanine, an amino acid with highly similar properties. This amino acid position is conserved. In addition, the in silico prediction for this alteration is inconclusive. Since supporting evidence is limited at this time, the clinical significance of this alteration remains unclear.